The following is an entry in ClinVar:

ClinVar aggregate classification (germline): Benign/Likely benign. Review status: criteria provided, multiple submitters, no conflicts (2 of 4 stars). 3 submissions from 3 submitters: Benign (1); Likely benign (2). Last evaluated 2025-04-24.

Conditions:
Tuberous sclerosis 1 (TSC1). Identifiers: Orphanet 805, MedGen C1854465, MONDO:0008612, OMIM 191100.
Hereditary cancer-predisposing syndrome. Also called: Tumor predisposition; Neoplastic Syndromes, Hereditary; Hereditary Cancer Syndrome; Hereditary neoplastic syndrome. Identifiers: Orphanet 140162, MedGen C0027672, MeSH D009386, MONDO:0015356.

Submissions (3):

Myriad Genetics, Inc.
Classification: Benign for Tuberous sclerosis 1. Last evaluated: 2025-04-24. Review status: criteria provided, single submitter. Criteria: Myriad Autosomal Dominant, Autosomal Recessive and X-Linked Classification Criteria (2023). Collection method: clinical testing. Allele origin: unknown.
Comment: This variant is considered benign. This variant is a silent/synonymous amino acid change and it is not expected to impact splicing.

Labcorp Genetics (formerly Invitae), Labcorp
Classification: Likely benign for Tuberous sclerosis 1. Last evaluated: 2024-04-27. Review status: criteria provided, single submitter. Criteria: Invitae Variant Classification Sherloc (09022015). Collection method: clinical testing. Allele origin: germline.

Ambry Genetics
Classification: Likely benign for Hereditary cancer-predisposing syndrome. Last evaluated: 2020-01-09. Review status: criteria provided, single submitter. Criteria: Ambry Variant Classification Scheme 2023. Collection method: clinical testing. Allele origin: germline.

NM_000368.5(TSC1):c.2127G>A (p.Arg709=)

Gene: TSC1 (TSC complex subunit 1; minus strand). Cytogenetic location: 9q34.13.
Variant type: single nucleotide variant.
Coding change: c.2127G>A on transcript NM_000368.5 (MANE Select); coding-DNA position 2127, G replaced by A.
Protein change: p.Arg709=; no amino-acid change (arginine 709 retained).
Molecular consequence: synonymous variant. On other transcripts: non-coding transcript variant (4).
Genome position (GRCh38, 1-based): chr9:132,903,732, C>T on the plus strand (G>A on the coding strand, the complement: TSC1 is on the minus strand). VCF-style: chr9-132903732-C-T. GRCh37 (hg19) VCF-style: chr9-135779119-C-T.
Other names: c.2124G>A, p.Arg708= (NM_001162426.2, NM_001406597.1, NM_001406598.1 and 4 more transcripts); c.1974G>A, p.Arg658= (NM_001162427.2, NM_001406610.1); c.1764G>A, p.Arg588= (NM_001362177.2, NM_001406614.1, NM_001406615.1 and 5 more transcripts); c.2127G>A, p.Arg709= (NM_001406592.1, NM_001406593.1, NM_001406594.1 and 5 more transcripts); c.2112G>A, p.Arg704= (NM_001406601.1, NM_001406602.1); c.2109G>A, p.Arg703= (NM_001406603.1, NM_001406604.1); c.1971G>A, p.Arg657= (NM_001406611.1, NM_001406612.1, NM_001406613.1); c.1761G>A, p.Arg587= (NM_001406620.1, NM_001406621.1, NM_001406622.1 and 2 more transcripts); and 3 more.
Identifiers: ClinVar variation 1786336 (VCV001786336.6), dbSNP rs2131765779, ClinGen allele CA467590710.
Genomic context (GRCh38, chr9:132,903,732, plus strand): 5'-CAGAGCTGCTGCTTTGATCACCTTGCGGAGGAGCCGCCTGTTCCGGAGGGCATGCTGCTG[C>T]CTCTTAAAACGCTCATAGAGTAACTGGTTGTGCAGTAAAAGCAACTGGTCTCGGAGGGTG-3'
Protein context (NP_000359.1, residues 699-719): HNQLLYERFK[Arg709=]QQHALRNRRL